The following is an entry in ClinVar:

ClinVar aggregate classification (germline): Uncertain significance (1 of 4 stars; one submission).

Conditions:
3-methylglutaconic aciduria, type VIIB (MGCA7B). Also called: CLPB Deficiency; 3-methylglutaconic aciduria with cataracts, neurologic involvement and neutropenia; 3-methylglutaconic aciduria, type VII, with cataracts, neurologic involvement and neutropenia. Identifiers: Orphanet 445038, MedGen C5676893, MONDO:0014561, OMIM 616271.

Submission:

Labcorp Genetics (formerly Invitae), Labcorp
Classification: Uncertain significance for 3-methylglutaconic aciduria, type VIIB. Last evaluated: 2022-05-19. Review status: criteria provided, single submitter. Criteria: Invitae Variant Classification Sherloc (09022015). Collection method: clinical testing. Allele origin: germline.
Comment: This sequence change falls in intron 15 of the CLPB gene. It does not directly change the encoded amino acid sequence of the CLPB protein. It affects a nucleotide within the consensus splice site. This variant is not present in population databases (gnomAD no frequency). This variant has not been reported in the literature in individuals affected with CLPB-related conditions. Variants that disrupt the consensus splice site are a relatively common cause of aberrant splicing (PMID: 17576681, 9536098). Algorithms developed to predict the effect of sequence changes on RNA splicing suggest that this variant may disrupt the consensus splice site. In summary, the available evidence is currently insufficient to determine the role of this variant in disease. Therefore, it has been classified as a Variant of Uncertain Significance.

Literature cited by the submitters: PubMed 17576681; PubMed 9536098.

NM_001258392.3(CLPB):c.1680+2dup

Gene: CLPB (ClpB family mitochondrial disaggregase; minus strand). Cytogenetic location: 11q13.4.
Variant type: Duplication.
Coding change: c.1680+2dup on transcript NM_001258392.3 (MANE Select); the canonical splice donor site of the intron after coding-DNA position 1680, one base duplicated (T; older notation c.1680+2dupT).
Molecular consequence: splice donor variant.
Genome position (GRCh38, 1-based): chr11:72,294,323, A duplicated on the plus strand (T on the coding strand, the reverse complement: CLPB is on the minus strand). VCF-style (leftmost placement, unchanged base first): chr11-72294322-T-TA. GRCh37 (hg19) VCF-style: chr11-72005366-T-TA.
Other names: c.1593+2dup (NM_001258393.3); c.1770+2dup (NM_030813.6); c.1635+2dup (NM_001258394.3).
Identifiers: ClinVar variation 1996305 (VCV001996305.4), dbSNP rs2539317784, ClinGen allele CA2580084855.